The following is an entry in ClinVar:

ClinVar aggregate classification (germline): Likely benign. Review status: criteria provided, multiple submitters, no conflicts (2 of 4 stars). 2 submissions from 2 submitters: Likely benign (2). Last evaluated 2025-11-07.

Conditions:
SPG11-related disorder. Also called: SPG11-related condition.
Hereditary spastic paraplegia 11. Also called: Spastic paraplegia, mental retardation and thin corpus callosum; Spastic Paraplegia 11; SPASTIC PARAPLEGIA, AUTOSOMAL RECESSIVE, COMPLICATED, WITH THIN CORPUS CALLOSUM; SPASTIC PARAPLEGIA, AUTOSOMAL RECESSIVE, WITH MENTAL IMPAIRMENT AND THIN CORPUS CALLOSUM; Nakamura Osame syndrome; Autosomal recessive hereditary spastic paraplegia, mental impairment, and thin corpus callosum. Identifiers: Orphanet 2822, MedGen C1858479, MONDO:0011445, OMIM 604360.

Allele frequency attached by ClinVar (database versions not stated): ExAC 0.00002; gnomAD 0.00002; gnomAD exomes 0.00002 and 0.00004; TOPMed 0.00004.
gnomAD v4.1: 30 of 1,613,860 alleles (0.0019%); highest among the groups gnomAD compares: Admixed American, 0.0017%; no homozygotes.

Submissions (2):

PreventionGenetics, part of Exact Sciences
Classification: Likely benign for SPG11-related condition. Last evaluated: 2025-11-07. Review status: criteria provided, single submitter. Criteria: ACMG Guidelines, 2015. Collection method: clinical testing. Allele origin: germline.
Comment: This variant is classified as likely benign based on ACMG/AMP sequence variant interpretation guidelines (Richards et al. 2015 PMID: 25741868, with internal and published modifications).

Labcorp Genetics (formerly Invitae), Labcorp
Classification: Likely benign for Hereditary spastic paraplegia 11. Last evaluated: 2024-12-27. Review status: criteria provided, single submitter. Criteria: Invitae Variant Classification Sherloc (09022015). Collection method: clinical testing. Allele origin: germline.

NM_025137.4(SPG11):c.5223T>C (p.Asn1741=)

Gene: SPG11 (SPG11 vesicle trafficking associated, spatacsin; minus strand). Cytogenetic location: 15q21.1.
Variant type: single nucleotide variant.
Coding change: c.5223T>C on transcript NM_025137.4 (MANE Select); coding-DNA position 5223, T replaced by C.
Protein change: p.Asn1741=; no amino-acid change (asparagine 1741 retained).
Molecular consequence: synonymous variant.
Genome position (GRCh38, 1-based): chr15:44,584,457, A>G on the plus strand (T>C on the coding strand, the complement: SPG11 is on the minus strand). VCF-style: chr15-44584457-A-G. GRCh37 (hg19) VCF-style: chr15-44876655-A-G.
Other names: c.5223T>C, p.Asn1741= (NM_001160227.2).
Identifiers: ClinVar variation 699818 (VCV000699818.10), dbSNP rs202244309, ClinGen allele CA7534446.